The following is an entry in ClinVar:

ClinVar aggregate classification (germline): Benign. Review status: criteria provided, multiple submitters, no conflicts (2 of 4 stars). 7 submissions from 7 submitters: Benign (7). Last evaluated 2026-02-04.

Conditions:
Ciliary dyskinesia, primary, 40. Also called: CILIARY DYSKINESIA, PRIMARY, 40, WITH OR WITHOUT SITUS INVERSUS. Identifiers: MedGen C4749028, MONDO:0032664, OMIM 618300.

Allele frequency attached by ClinVar (database versions not stated): ESP Exome Variant Server 0.39605; 1000 Genomes Project 0.40355; TOPMed 0.40933; 1000 Genomes Project 30x 0.41052.
gnomAD v4.1: 668,342 of 1,613,906 alleles (41%); highest among the groups gnomAD compares: Admixed American, 62%; 141,008 homozygotes.

Submissions (7):

Labcorp Genetics (formerly Invitae), Labcorp
Classification: Benign. Last evaluated: 2026-02-04. Review status: criteria provided, single submitter. Criteria: Invitae Variant Classification Sherloc (09022015). Collection method: clinical testing. Allele origin: germline.

Blueprint Genetics
Classification: Benign. Last evaluated: 2024-11-28. Review status: criteria provided, single submitter. Criteria: ACMG Guidelines, 2015. Collection method: clinical testing. Allele origin: germline.

Mayo Clinic Laboratories, Mayo Clinic
Classification: Benign. Last evaluated: 2022-04-26. Review status: criteria provided, single submitter. Criteria: ACMG Guidelines, 2015. Collection method: clinical testing. Allele origin: germline. Observed: 138 variant alleles.

Genome-Nilou Lab
Classification: Benign for Ciliary dyskinesia, primary, 40. Last evaluated: 2021-07-30. Review status: criteria provided, single submitter. Criteria: ACMG Guidelines, 2015. Collection method: clinical testing. Allele origin: germline. Affected: no.

GeneDx
Classification: Benign. Last evaluated: 2021-05-04. Review status: criteria provided, single submitter. Criteria: GeneDx Variant Classification Process June 2021. Collection method: clinical testing. Allele origin: germline. Affected: yes.

Laboratory for Molecular Medicine, Mass General Brigham Personalized Medicine
Classification: Benign. Last evaluated: 2016-03-28. Review status: criteria provided, single submitter. Criteria: LMM Criteria. Collection method: clinical testing. Allele origin: germline.
Comment: Variant identified in a genome or exome case(s) and assessed due to predicted null impact of the variant or pathogenic assertions in the literature or databases. Disclaimer: This variant has not undergone full assessment. The following are preliminary notes: Frequency

Breakthrough Genomics
Classification: Benign. Review status: criteria provided, single submitter. Criteria: ACMG Guidelines, 2015. Collection method: not provided. Allele origin: germline. Inheritance: Autosomal recessive inheritance. Affected: yes.

NM_001372.4(DNAH9):c.9744C>G (p.Pro3248=)

Gene: DNAH9 (dynein axonemal heavy chain 9; plus strand). Cytogenetic location: 17p12.
Variant type: single nucleotide variant.
Coding change: c.9744C>G on transcript NM_001372.4 (MANE Select); coding-DNA position 9744, C replaced by G.
Protein change: p.Pro3248=; no amino-acid change (proline 3248 retained).
Molecular consequence: synonymous variant.
Genome position (GRCh38, 1-based): chr17:11,854,239, C>G. VCF-style: chr17-11854239-C-G. GRCh37 (hg19) VCF-style: chr17-11757556-C-G.
Other names: p.Pro3248=.
Identifiers: ClinVar variation 402782 (VCV000402782.19), dbSNP rs12449553, ClinGen allele CA8397295.